The following is an entry in ClinVar:

NM_000878.5(IL2RB):c.948C>T (p.Gly316=)

Gene: IL2RB (interleukin 2 receptor subunit beta; minus strand). Cytogenetic location: 22q12.3.
Variant type: single nucleotide variant.
Coding change: c.948C>T on transcript NM_000878.5 (MANE Select); coding-DNA position 948, C replaced by T.
Protein change: p.Gly316=; no amino-acid change (glycine 316 retained).
Molecular consequence: synonymous variant.
Genome position (GRCh38, 1-based): chr22:37,128,804, G>A on the plus strand (C>T on the coding strand, the complement: IL2RB is on the minus strand). VCF-style: chr22-37128804-G-A. GRCh37 (hg19) VCF-style: chr22-37524844-G-A.
Other names: c.948C>T (NM_000878.4); c.948C>T, p.Gly316= (NM_001346222.1, NM_001346223.2).
Identifiers: ClinVar variation 711744 (VCV000711744.19), dbSNP rs146858997, ClinGen allele CA10216453.

ClinVar aggregate classification (germline): Likely benign. Review status: criteria provided, multiple submitters, no conflicts (2 of 4 stars). 4 submissions from 4 submitters: Likely benign (3). 1 of the submissions does not count toward it. Last evaluated 2026-01-25.

Conditions:
IL2RB-related disorder. Also called: IL2RB-related condition.

Allele frequency attached by ClinVar (database versions not stated): TOPMed 0.00014; ESP Exome Variant Server 0.00015; 1000 Genomes Project 30x 0.00016; 1000 Genomes Project 0.00020; gnomAD 0.00023 and 0.00024; gnomAD exomes 0.00029; ExAC 0.00034.
gnomAD v4.1: 342 of 1,612,486 alleles (0.021%); highest among the groups gnomAD compares: Non-Finnish European, 0.022%; 1 homozygote.

Submissions (4):

Labcorp Genetics (formerly Invitae), Labcorp
Classification: Likely benign. Last evaluated: 2026-01-25. Review status: criteria provided, single submitter. Criteria: Invitae Variant Classification Sherloc (09022015). Collection method: clinical testing. Allele origin: germline.

CeGaT Center for Human Genetics Tuebingen
Classification: Likely benign. Last evaluated: 2025-09-01. Review status: criteria provided, single submitter. Criteria: CeGaT Center For Human Genetics Tuebingen Variant Classification Criteria Version 2. Collection method: clinical testing. Allele origin: germline. Affected: yes. Observed: 1 variant allele.
Comment: IL2RB: BP4, BP7

Blueprint Genetics
Classification: Likely benign. Last evaluated: 2024-10-31. Review status: criteria provided, single submitter. Criteria: ACMG Guidelines, 2015. Collection method: clinical testing. Allele origin: germline.

PreventionGenetics, part of Exact Sciences
Classification: Likely benign for IL2RB-related condition. Last evaluated: 2023-05-17. Review status: no assertion criteria provided. Collection method: clinical testing. Allele origin: germline. Not counted in ClinVar's aggregate classification.
Comment: This variant is classified as likely benign based on ACMG/AMP sequence variant interpretation guidelines (Richards et al. 2015 PMID: 25741868, with internal and published modifications).